The following is an entry in ClinVar:

ClinVar aggregate classification (germline): Uncertain significance (1 of 4 stars; one submission).

Allele frequency attached by ClinVar (database versions not stated): TOPMed below 0.00001; gnomAD 0.00001.
gnomAD v4.1: 2 of 1,613,104 alleles (0.00012%); highest among the groups gnomAD compares: South Asian, 0.0011%; no homozygotes.

Submission:

Labcorp Genetics (formerly Invitae), Labcorp
Classification: Uncertain significance. Last evaluated: 2018-11-15. Review status: criteria provided, single submitter. Criteria: Invitae Variant Classification Sherloc (09022015). Collection method: clinical testing. Allele origin: germline.
Comment: This sequence change falls in intron 48 of the POLE gene. It does not directly change the encoded amino acid sequence of the POLE protein, but it affects a nucleotide within the consensus splice site of the intron. In summary, the available evidence is currently insufficient to determine the role of this variant in disease. Therefore, it has been classified as a Variant of Uncertain Significance. Nucleotide substitutions within the consensus splice site are a relatively common cause of aberrant splicing (PMID: 17576681, 9536098). Algorithms developed to predict the effect of sequence changes on RNA splicing suggest that this variant is not likely to affect RNA splicing, but this prediction has not been confirmed by published transcriptional studies. This variant has not been reported in the literature in individuals with POLE-related disease. This variant is not present in population databases (ExAC no frequency).

Literature cited by the submitters: PubMed 17576681; PubMed 9536098.

NM_006231.4(POLE):c.6747+4G>C

Gene: POLE (DNA polymerase epsilon, catalytic subunit; minus strand). Cytogenetic location: 12q24.33.
Variant type: single nucleotide variant.
Coding change: c.6747+4G>C on transcript NM_006231.4 (MANE Select); 4 bases into the intron after coding-DNA position 6747, G replaced by C.
Molecular consequence: intron variant.
Genome position (GRCh38, 1-based): chr12:132,624,901, C>G on the plus strand (G>C on the coding strand, the complement: POLE is on the minus strand). VCF-style: chr12-132624901-C-G. GRCh37 (hg19) VCF-style: chr12-133201487-C-G.
Identifiers: ClinVar variation 648083 (VCV000648083.8), dbSNP rs1257771767, ClinGen allele CA685565485.